The following is an entry in ClinVar:

ClinVar aggregate classification (germline): Uncertain significance (1 of 4 stars; one submission).

Conditions:
CHD4-related disorder. Also called: CHD4-related condition.

Submission:

PreventionGenetics, part of Exact Sciences
Classification: Uncertain significance for CHD4-related condition. Last evaluated: 2025-12-26. Review status: criteria provided, single submitter. Criteria: ACMG Guidelines, 2015. Collection method: clinical testing. Allele origin: germline.
Comment: The CHD4 c.2495A>G variant is predicted to result in the amino acid substitution p.Lys832Arg. To our knowledge, this variant has not been reported in the literature or in a large population database (gnomAD), indicating this variant is rare. At this time, the clinical significance of this variant is uncertain due to the absence of conclusive functional and genetic evidence.

NM_001273.5(CHD4):c.2495A>G (p.Lys832Arg)

Gene: CHD4 (chromodomain helicase DNA binding protein 4; minus strand). Cytogenetic location: 12p13.31.
Variant type: single nucleotide variant.
Coding change: c.2495A>G on transcript NM_001273.5 (MANE Select); coding-DNA position 2495, A replaced by G.
Protein change: p.Lys832Arg; replaces lysine 832 with arginine.
Molecular consequence: missense variant.
Genome position (GRCh38, 1-based): chr12:6,593,435, T>C on the plus strand (A>G on the coding strand, the complement: CHD4 is on the minus strand). VCF-style: chr12-6593435-T-C. GRCh37 (hg19) VCF-style: chr12-6702601-T-C.
Other names: c.2474A>G, p.Lys825Arg (NM_001297553.2); c.2456A>G, p.Lys819Arg (NM_001363606.2); short protein forms K825R, K832R, K819R.
Identifiers: ClinVar variation 5000760 (VCV005000760.1).